The following is an entry in ClinVar:

NM_133372.3(FNIP1):c.3389G>A (p.Arg1130His)

Gene: FNIP1 (folliculin interacting protein 1; minus strand). Cytogenetic location: 5q31.1.
Variant type: single nucleotide variant.
Coding change: c.3389G>A on transcript NM_133372.3 (MANE Select); coding-DNA position 3389, G replaced by A.
Protein change: p.Arg1130His; replaces arginine 1130 with histidine.
Molecular consequence: missense variant.
Genome position (GRCh38, 1-based): chr5:131,647,123, C>T on the plus strand (G>A on the coding strand, the complement: FNIP1 is on the minus strand). VCF-style: chr5-131647123-C-T. GRCh37 (hg19) VCF-style: chr5-130982816-C-T.
Other names: c.3305G>A, p.Arg1102His (NM_001008738.3); c.3254G>A, p.Arg1085His (NM_001346114.2); short protein forms R1102H, R1130H, R1085H.
Identifiers: ClinVar variation 1950068 (VCV001950068.5), dbSNP rs1197405873, ClinGen allele CA360779671.

ClinVar aggregate classification (germline): Uncertain significance (1 of 4 stars; one submission).

Allele frequency attached by ClinVar (database versions not stated): gnomAD exomes below 0.00001; TOPMed 0.00001.
gnomAD v4.1: 8 of 1,614,130 alleles (0.0005%); highest among the groups gnomAD compares: Non-Finnish European, 0.00051%; no homozygotes.

Submission:

Labcorp Genetics (formerly Invitae), Labcorp
Classification: Uncertain significance. Last evaluated: 2022-08-15. Review status: criteria provided, single submitter. Criteria: Invitae Variant Classification Sherloc (09022015). Collection method: clinical testing. Allele origin: germline.
Comment: In summary, the available evidence is currently insufficient to determine the role of this variant in disease. Therefore, it has been classified as a Variant of Uncertain Significance. Algorithms developed to predict the effect of missense changes on protein structure and function are either unavailable or do not agree on the potential impact of this missense change (SIFT: "Tolerated"; PolyPhen-2: "Probably Damaging"; Align-GVGD: "Class C0"). This variant has not been reported in the literature in individuals affected with FNIP1-related conditions. This variant is present in population databases (no rsID available, gnomAD 0.004%). This sequence change replaces arginine, which is basic and polar, with histidine, which is basic and polar, at codon 1130 of the FNIP1 protein (p.Arg1130His).